The following is an entry in ClinVar:

NM_001875.5(CPS1):c.4075C>T (p.Gln1359Ter)

Gene: CPS1 (carbamoyl-phosphate synthase 1; plus strand). Cytogenetic location: 2q34.
Variant type: single nucleotide variant.
Coding change: c.4075C>T on transcript NM_001875.5 (MANE Select); coding-DNA position 4075, C replaced by T.
Protein change: p.Gln1359Ter; replaces glutamine 1359 with a stop codon.
Molecular consequence: nonsense. On other transcripts: non-coding transcript variant (2).
Genome position (GRCh38, 1-based): chr2:210,668,258, C>T. VCF-style: chr2-210668258-C-T. GRCh37 (hg19) VCF-style: chr2-211532982-C-T.
Other names: c.4075C>T, p.Gln1359Ter (NM_001122633.3, NM_001369257.1); c.4108C>T, p.Gln1370Ter (NM_001369256.1); short protein forms Q1359*, Q1370*.
Identifiers: ClinVar variation 960518 (VCV000960518.8), dbSNP rs1701171267, ClinGen allele CA350440012.

ClinVar aggregate classification (germline): Pathogenic/Likely pathogenic. Review status: criteria provided, multiple submitters, no conflicts (2 of 4 stars). 2 submissions from 2 submitters: Pathogenic (1); Likely pathogenic (1). Last evaluated 2024-03-24.

Conditions:
Pulmonary hypertension, neonatal, susceptibility to (PHN). Identifiers: MedGen C3714958, MONDO:0014151, OMIM 615371.
Congenital hyperammonemia, type I. Also called: Carbamoyl-phosphate synthase I deficiency; Carbamoyl phosphate synthetase 1 deficiency; Hyperammonemia due to carbamoyl phosphate synthetase 1 deficiency; CPS 1 deficiency; Carbamyl phosphate synthetase (CPS) deficiency; CPS I DEFICIENCY. Identifiers: Orphanet 147, MedGen C4082171, MONDO:0009376, OMIM 237300.

Submissions (2):

Baylor Genetics
Classification: Likely pathogenic for Pulmonary hypertension, neonatal, susceptibility to. Last evaluated: 2024-03-24. Review status: criteria provided, single submitter. Criteria: ACMG Guidelines, 2015. Collection method: clinical testing. Allele origin: unknown.

Labcorp Genetics (formerly Invitae), Labcorp
Classification: Pathogenic for Congenital hyperammonemia, type I. Last evaluated: 2019-08-29. Review status: criteria provided, single submitter. Criteria: Invitae Variant Classification Sherloc (09022015). Collection method: clinical testing. Allele origin: germline.
Comment: For these reasons, this variant has been classified as Pathogenic. Loss-of-function variants in CPS1 are known to be pathogenic (PMID: 21120950). This variant has not been reported in the literature in individuals with CPS1-related conditions. This variant is not present in population databases (ExAC no frequency). This sequence change creates a premature translational stop signal (p.Gln1359*) in the CPS1 gene. It is expected to result in an absent or disrupted protein product.

Literature cited by the submitters: PubMed 21120950 (cited by Labcorp Genetics (formerly Invitae), Labcorp).